The following is an entry in ClinVar:

ClinVar aggregate classification (germline): Pathogenic. Review status: reviewed by expert panel (3 of 4 stars). 19 submissions from 18 submitters: Pathogenic (1). 18 of the submissions do not count toward it. Last evaluated 2022-08-09.

Conditions:
ACADVL-related disorder. Also called: ACADVL-related condition.
Inborn genetic diseases. Identifiers: MedGen C0950123, MeSH D030342.
Very long chain acyl-CoA dehydrogenase deficiency (ACADVLD). Also called: Very Long-Chain Acyl-Coenzyme A Dehydrogenase Deficiency; VLCAD Deficiency. Identifiers: Orphanet 26793, MedGen C3887523, MONDO:0008723, OMIM 201475.
Rhabdomyolysis. Also called: Rhabdomyolysis (disease). Identifiers: MedGen C0035410, HP:0003201, MONDO:0005290.
Myopathy. Identifiers: MedGen C0026848, MeSH D009135, MONDO:0005336, HP:0003198.

Allele frequency attached by ClinVar (database versions not stated): ExAC 0.00002; gnomAD 0.00003; gnomAD exomes 0.00003; TOPMed 0.00003.

Submissions 1 to 8 of 19:

ClinGen ACADVL Variant Curation Expert Panel, ClinGen
Classification: Pathogenic for Very long chain acyl-CoA dehydrogenase deficiency. Last evaluated: 2022-08-09. Review status: reviewed by expert panel. Criteria: clingen acadvl acmg specifications v1. Collection method: curation. Allele origin: germline. Inheritance: Autosomal recessive inheritance.
Comment: The c.1376G>A variant is a missense variant predicted to cause substitution of arginine by glutamine at amino acid 459 (p.Arg459Gln). This variant has been reported in at least 11 individuals with very long chain acyl-CoA dehydrogenase (VLCAD) deficiency in the literature with either significantly reduced VLCAD activity or increased C14:1 acylcarnitine levels, with two individuals displaying both reduced VLCAD activity and increased C14:1 acylcarnitine levels, which is highly specific for VLCAD deficiency (PP4_moderate; PMID: 30194637; PMID: 21429517; PMID: 19327992). In these individuals, the variant was detected three times in the homozygous state plus 1 confirmed in-trans and 5 not confirmed in-trans with the pathogenic variant c.848T>C (PM3_strong; PMID: 30194637; PMID: 21429517). The highest population minor allele frequency in gnomAD v2.1.1 is 0.00004646 in the European (non-Finnish) population, which is lower than the ClinGen ACADVL Variant Curation Expert Panel threshold (<0.001) for PM2_Supporting, meeting this criterion (PM2_Supporting). The variant is located in a well-studied dimerization domain which is critical for the protein's dimer interaction (PM1; PMID: 14517516). The computational predictor REVEL gives a score of 0.864, which is above the threshold of 0.75, evidence that correlates with impact to ACADVL function (PP3). In summary, this variant meets the criteria to be classified as pathogenic for autosomal recessive VLCAD deficiency based on the ACMG/AMP criteria applied, as specified by the ClinGen ACADVL Variant Curation Expert Panel: PP4_Moderate; PM3_Strong; PM2_Supporting; PM1; PP3 (ACADVL VCEP specifications version 1; approved November 8, 2021).

Labcorp Genetics (formerly Invitae), Labcorp
Classification: Pathogenic for Very long chain acyl-CoA dehydrogenase deficiency. Last evaluated: 2026-01-19. Review status: criteria provided, single submitter. Criteria: Invitae Variant Classification Sherloc (09022015). Collection method: clinical testing. Allele origin: germline. Not counted in ClinVar's aggregate classification.
Comment: This sequence change replaces arginine, which is basic and polar, with glutamine, which is neutral and polar, at codon 459 of the ACADVL protein (p.Arg459Gln). This variant is present in population databases (rs751995154, gnomAD 0.005%). This missense change has been observed in individual(s) with VLCAD deficiency, several of them being clinically asymptomatic (PMID: 14517516, 19327992, 21429517, 23798014, 30194637). This variant is also known as p.Arg419Gln. ClinVar contains an entry for this variant (Variation ID: 203585). Invitae Evidence Modeling of protein sequence and biophysical properties (such as structural, functional, and spatial information, amino acid conservation, physicochemical variation, residue mobility, and thermodynamic stability) has been performed for this missense variant. However, the output from this modeling did not meet the statistical confidence thresholds required to predict the impact of this variant on ACADVL protein function. For these reasons, this variant has been classified as Pathogenic.

PreventionGenetics, part of Exact Sciences
Classification: Pathogenic for ACADVL-related condition. Last evaluated: 2026-01-06. Review status: criteria provided, single submitter. Criteria: ACMG Guidelines, 2015. Collection method: clinical testing. Allele origin: germline. Not counted in ClinVar's aggregate classification.
Comment: The ACADVL c.1376G>A variant is predicted to result in the amino acid substitution p.Arg459Gln. This variant has been reported in multiple individuals with very long chain acyl-CoA dehydrogenase deficiency (VLCADD), the majority of which have been identified via newborn screening (Spiekerkoetter et al. 2003. PubMed ID: 14517516; McGoey and Marble. 2011. PubMed ID: 21429517; Miller et al. 2015. PubMed ID: 26385305). Only a few patients with the c.1376G>A variant have been reported to be clinically symptomatic (Laforêt et al. 2009. PubMed ID: 19327992; Waisbren et al. 2013. PubMed ID: 23798014; Savarese et al. 2014. PubMed ID: 25214167). Available splicing prediction algorithms (SpliceAI; Alamut Visual v1.6.1) indicate that this variant may create a novel splice acceptor site within ACADVL exon 14 (based on transcript NM_000018.3). However, it should be noted that such predictions are not equivalent to functional evidence. This variant is reported in 0.0046% of alleles in individuals of European (non-Finnish) descent in gnomAD and has been classified as pathogenic by the ClinGen ACADVL Variant Curation Expert Panel and most submitters in clinvar. Based on collective evidence, this variant is interpreted as pathogenic.

Revvity Omics, Revvity
Classification: Pathogenic for Very long chain acyl-CoA dehydrogenase deficiency. Last evaluated: 2024-07-25. Review status: criteria provided, single submitter. Criteria: ACMG Guidelines, 2015. Collection method: clinical testing. Allele origin: germline. Not counted in ClinVar's aggregate classification.

Blueprint Genetics
Classification: Pathogenic for ACADVL-related disorders. Last evaluated: 2024-07-19. Review status: criteria provided, single submitter. Criteria: ACMG Guidelines, 2015. Collection method: clinical testing. Allele origin: germline. Affected: yes. Observed: 5 variant alleles. Not counted in ClinVar's aggregate classification.

Women's Health and Genetics/Laboratory Corporation of America, LabCorp
Classification: Pathogenic for Very long chain acyl-CoA dehydrogenase deficiency. Last evaluated: 2024-06-06. Review status: criteria provided, single submitter. Criteria: LabCorp Variant Classification Summary - May 2015. Collection method: clinical testing. Allele origin: germline. Not counted in ClinVar's aggregate classification.
Comment: Variant summary: ACADVL c.1376G>A (p.Arg459Gln) results in a conservative amino acid change located in the Acyl-CoA dehydrogenase/oxidase, C-terminal domain (IPR009075) of the encoded protein sequence. Three of five in-silico tools predict a damaging effect of the variant on protein function. The variant allele was found at a frequency of 2.8e-05 in 251410 control chromosomes, predominantly at a frequency of 4.4e-05 within the Non-Finnish European subpopulation in the gnomAD database. c.1376G>A has been reported in the literature in individuals affected with Very Long Chain Acyl-CoA Dehydrogenase Deficiency (example, Bozovic_2021, Capalbo_2019, Lin_2020,2023, Savarese_2014, Spiekerkoetter_2003). These data indicate that the variant is likely to be associated with disease. To our knowledge, no experimental evidence demonstrating an impact on protein function has been reported. The following publications have been ascertained in the context of this evaluation (PMID: 34106991, 31589614, 30904546, 32710939, 25214167, 14517516). ClinVar contains an entry for this variant (Variation ID: 203585). Based on the evidence outlined above, the variant was classified as pathogenic.

Natera, Inc.
Classification: Pathogenic for Very long chain acyl-CoA dehydrogenase deficiency. Last evaluated: 2024-04-03. Review status: criteria provided, single submitter. Criteria: Natera Variant Classification Schema (03/2026). Collection method: clinical testing. Allele origin: germline. Not counted in ClinVar's aggregate classification.
Comment: The c.1376G>A variant in ACADVL is a missense variant predicted to cause substitution of arginine to glutamine at amino acid 459. This variant is rare in the general population with a frequency below the threshold expected for the associated phenotype(s). This variant has been observed in one or more individuals affected with the associated recessive disease, as either homozygous or compound heterozygous with a second variant (PMID: 30194637). This variant has been identified in one or more affected individual with a phenotype highly consistent with the associated gene (PMID: 30194637). Computational prediction algorithms indicate this variant is likely to affect gene or protein function. Given the available evidence, this variant is classified as Pathogenic.

Baylor Genetics
Classification: Likely pathogenic for Very long chain acyl-CoA dehydrogenase deficiency. Last evaluated: 2024-03-10. Review status: criteria provided, single submitter. Criteria: ACMG Guidelines, 2015. Collection method: clinical testing. Allele origin: unknown. Not counted in ClinVar's aggregate classification.

NM_000018.4(ACADVL):c.1376G>A (p.Arg459Gln)

Gene: ACADVL (acyl-CoA dehydrogenase very long chain; plus strand). Cytogenetic location: 17p13.1.
Variant type: single nucleotide variant.
Coding change: c.1376G>A on transcript NM_000018.4 (MANE Select); coding-DNA position 1376, G replaced by A.
Protein change: p.Arg459Gln; replaces arginine 459 with glutamine.
Molecular consequence: missense variant.
Genome position (GRCh38, 1-based): chr17:7,224,011, G>A. VCF-style: chr17-7224011-G-A. GRCh37 (hg19) VCF-style: chr17-7127330-G-A.
Other names: p.R459Q:CGG>CAG; p.Arg459Gln; NM_000018.4(ACADVL):c.1376G>A; c.1310G>A, p.Arg437Gln (NM_001033859.3); c.1445G>A, p.Arg482Gln (NM_001270447.2); c.1148G>A, p.Arg383Gln (NM_001270448.2); short protein forms R459Q, R482Q, R383Q, R437Q.
Identifiers: ClinVar variation 203585 (VCV000203585.50), dbSNP rs751995154, ClinGen allele CA312275.